The following is an entry in ClinVar:

NM_001378328.1(CELSR1):c.7638T>C (p.Phe2546=)

Gene: CELSR1 (cadherin EGF LAG seven-pass G-type receptor 1; minus strand). Cytogenetic location: 22q13.31.
Variant type: single nucleotide variant.
Coding change: c.7638T>C on transcript NM_001378328.1 (MANE Select); coding-DNA position 7638, T replaced by C.
Protein change: p.Phe2546=; no amino-acid change (phenylalanine 2546 retained).
Molecular consequence: synonymous variant.
Genome position (GRCh38, 1-based): chr22:46,373,004, A>G on the plus strand (T>C on the coding strand, the complement: CELSR1 is on the minus strand). VCF-style: chr22-46373004-A-G. GRCh37 (hg19) VCF-style: chr22-46768901-A-G.
Other names: c.7638T>C, p.Phe2546= (NM_014246.4).
Identifiers: ClinVar variation 2653315 (VCV002653315.24), dbSNP rs144517669, ClinGen allele CA10293284.

ClinVar aggregate classification (germline): Likely benign (1 of 4 stars; one submission).

Allele frequency attached by ClinVar (database versions not stated): ExAC 0.00003; gnomAD 0.00003; TOPMed 0.00005; gnomAD exomes 0.00006; ESP Exome Variant Server 0.00008.
gnomAD v4.1: 96 of 1,612,884 alleles (0.006%); highest among the groups gnomAD compares: Non-Finnish European, 0.0077%; no homozygotes.

Submission:

CeGaT Center for Human Genetics Tuebingen
Classification: Likely benign. Last evaluated: 2022-10-01. Review status: criteria provided, single submitter. Criteria: CeGaT Center For Human Genetics Tuebingen Variant Classification Criteria Version 2. Collection method: clinical testing. Allele origin: germline. Affected: yes. Observed: 1 variant allele.
Comment: CELSR1: BP4, BP7